The following is an entry in ClinVar:

NM_000044.6(AR):c.1742A>G (p.Lys581Arg)

Gene: AR (androgen receptor; plus strand). Cytogenetic location: Xq12.
Variant type: single nucleotide variant.
Coding change: c.1742A>G on transcript NM_000044.6 (MANE Select); coding-DNA position 1742, A replaced by G.
Protein change: p.Lys581Arg; replaces lysine 581 with arginine.
Molecular consequence: missense variant. On other transcripts: intron variant (1).
Genome position (GRCh38, 1-based): chrX:67,643,381, A>G. VCF-style: chrX-67643381-A-G. GRCh37 (hg19) VCF-style: chrX-66863223-A-G.
Other names: c.146A>G, p.Lys49Arg (NM_001011645.3); c.1742A>G, p.Lys581Arg (NM_001348061.1, NM_001348063.1); c.1617-42560A>G (NM_001348064.1); short protein forms K49R, K581R.
Identifiers: ClinVar variation 4082473 (VCV004082473.2).

ClinVar aggregate classification (germline): Likely pathogenic (1 of 4 stars; one submission).

Submission:

Genetic Services Laboratory, University of Chicago
Classification: Likely pathogenic. Last evaluated: 2024-09-09. Review status: criteria provided, single submitter. Criteria: ACMG Guidelines, 2015. Collection method: clinical testing. Allele origin: germline. Affected: yes.
Comment: DNA sequence analysis of the AR gene demonstrated a sequence change, c.1742A>G, in exon 2 that results in an amino acid change, p.Lys581Arg. The p.Lys581Arg change affects a highly conserved amino acid residue located in a domain of the AR protein that is known to be functional. The p.Lys581Arg substitution appears to be deleterious using in-silico pathogenicity prediction tools (SIFT and REVEL). This sequence change has not been described in population databases such as ExAC and gnomAD. This particular amino acid change has been described in the literature in individuals with AR-related disorders of sex development (PMID: 18270433, 36631813). Two different sequence changes affecting the same amino acid residue (p.Lys581Asn and p.Lys581Thr) have been described in individuals with AR-related disorders (PMID: 24367986, 36617173). These collective evidences indicate that this sequence change is likely pathogenic, however functional studies have not been performed to prove this conclusively.